The following is an entry in ClinVar:

NM_001365536.1(SCN9A):c.4629_4631delinsAGA (p.Met1543_Thr1544delinsIleAsp)

Genes: SCN9A (sodium voltage-gated channel alpha subunit 9; minus strand), SCN1A-AS1 (SCN1A and SCN9A antisense RNA 1; plus strand). Cytogenetic location: 2q24.3.
Variant type: Indel.
Coding change: c.4629_4631delinsAGA on transcript NM_001365536.1 (MANE Select); coding-DNA positions 4629 to 4631, GAC replaced by AGA.
Protein change: p.Met1543_Thr1544delinsIleAsp.
Molecular consequence: missense variant.
Genome position (GRCh38, 1-based): chr2:166,204,098-166,204,100, GTC replaced by TCT on the plus strand (GAC replaced by AGA on the coding strand, the reverse complement: SCN9A is on the minus strand). VCF-style: chr2-166204098-GTC-TCT. GRCh37 (hg19) VCF-style: chr2-167060608-GTC-TCT.
Other names: c.4596_4598delGACinsAGA, p.Met1532_Thr1533delinsIleAsp (NM_002977.4).
Identifiers: ClinVar variation 968165 (VCV000968165.5), dbSNP rs1693675341, ClinGen allele CA1139657332.

ClinVar aggregate classification (germline): Uncertain significance. Review status: criteria provided, multiple submitters, no conflicts (2 of 4 stars). 2 submissions from 2 submitters: Uncertain significance (2). Last evaluated 2025-08-20.

Conditions:
Neuropathy, hereditary sensory and autonomic, type 2A (HSAN2A). Also called: MORVAN DISEASE; NEUROPATHY, CONGENITAL SENSORY; NEUROPATHY, HEREDITARY SENSORY RADICULAR, AUTOSOMAL RECESSIVE; NEUROPATHY, HEREDITARY SENSORY, TYPE IIA; NEUROPATHY, PROGRESSIVE SENSORY, OF CHILDREN; ACROOSTEOLYSIS, GIACCAI TYPE. Identifiers: Orphanet 970, MedGen C2752089, MONDO:0024309, OMIM 201300.
Generalized epilepsy with febrile seizures plus, type 7 (GEFSP7). Also called: GEFS+, TYPE 7. Identifiers: Orphanet 36387, MedGen C2751778, MONDO:0013470, OMIM 613863.

Submissions (2):

Labcorp Genetics (formerly Invitae), Labcorp
Classification: Uncertain significance for Neuropathy, hereditary sensory and autonomic, type 2A; Generalized epilepsy with febrile seizures plus, type 7. Last evaluated: 2025-08-20. Review status: criteria provided, single submitter. Criteria: Invitae Variant Classification Sherloc (09022015). Collection method: clinical testing. Allele origin: germline.
Comment: This variant, c.4596_4598delinsAGA, is a complex sequence change that results in the deletion of 2 and insertion of 2 amino acid(s) in the SCN9A protein (p.Met1532_Thr1533delinsIleAsp). Information on the frequency of this variant in the gnomAD database is not available, as this variant may be reported differently in the database. This variant has not been reported in the literature in individuals affected with SCN9A-related conditions. Experimental studies and prediction algorithms are not available or were not evaluated, and the functional significance of this variant is currently unknown. In summary, the available evidence is currently insufficient to determine the role of this variant in disease. Therefore, it has been classified as a Variant of Uncertain Significance.

Blueprint Genetics
Classification: Uncertain significance. Last evaluated: 2024-08-23. Review status: criteria provided, single submitter. Criteria: ACMG Guidelines, 2015. Collection method: clinical testing. Allele origin: germline.